The following is an entry in ClinVar:

NM_004218.4(RAB11B):c.64G>A (p.Val22Met)

Gene: RAB11B (RAB11B, member RAS oncogene family; plus strand). Cytogenetic location: 19p13.2.
Variant type: single nucleotide variant.
Coding change: c.64G>A on transcript NM_004218.4 (MANE Select); coding-DNA position 64, G replaced by A.
Protein change: p.Val22Met; replaces valine 22 with methionine.
Molecular consequence: missense variant.
Genome position (GRCh38, 1-based): chr19:8,399,886, G>A. VCF-style: chr19-8399886-G-A. GRCh37 (hg19) VCF-style: chr19-8464770-G-A.
Other names: short protein forms V22M.
Identifiers: ClinVar variation 453254 (VCV000453254.9), dbSNP rs1555690779, ClinGen allele CA403709616.
Genomic context (GRCh38, chr19:8,399,886, plus strand): 5'-AGTGTGGGGATTCACAGAACCTCGCCTTCCCGCCCAGTGGTGCTCATCGGGGACTCAGGC[G>A]TGGGCAAGAGCAACCTGCTGTCGCGCTTCACCCGCAACGAGTTCAACCTGGAGAGCAAGA-3'
Protein context (NP_004209.2, residues 12-32): FKVVLIGDSG[Val22Met]GKSNLLSRFT

ClinVar aggregate classification (germline): Pathogenic/Likely pathogenic. Review status: criteria provided, multiple submitters, no conflicts (2 of 4 stars). 5 submissions from 5 submitters: Pathogenic (2); Likely pathogenic (1). 2 of the submissions do not count toward it. Last evaluated 2024-07-06.

Conditions:
Neurodevelopmental disorder with ataxic gait, absent speech, and decreased cortical white matter. Identifiers: MedGen C4540498, MONDO:0060624, OMIM 617807.

Submissions (5):

Labcorp Genetics (formerly Invitae), Labcorp
Classification: Pathogenic. Last evaluated: 2024-07-06. Review status: criteria provided, single submitter. Criteria: Invitae Variant Classification Sherloc (09022015). Collection method: clinical testing. Allele origin: germline.
Comment: This sequence change replaces valine, which is neutral and non-polar, with methionine, which is neutral and non-polar, at codon 22 of the RAB11B protein (p.Val22Met). This variant is not present in population databases (gnomAD no frequency). This missense change has been observed in individual(s) with RAB11B-related conditions (PMID: 29106825). In at least one individual the variant was observed to be de novo. ClinVar contains an entry for this variant (Variation ID: 453254). An algorithm developed to predict the effect of missense changes on protein structure and function (PolyPhen-2) suggests that this variant is likely to be disruptive. Experimental studies have shown that this missense change affects RAB11B function (PMID: 29106825). For these reasons, this variant has been classified as Pathogenic.

Victorian Clinical Genetics Services, Murdoch Childrens Research Institute
Classification: Pathogenic for Neurodevelopmental disorder with ataxic gait, absent speech, and decreased cortical white matter. Last evaluated: 2022-02-02. Review status: criteria provided, single submitter. Criteria: ACMG Guidelines, 2015. Collection method: clinical testing. Allele origin: germline. Inheritance: Autosomal dominant inheritance. Affected: yes.
Comment: Based on the classification scheme VCGS_Germline_v1.3.4, this variant is classified as Pathogenic. Following criteria are met: 0105 - The mechanism of disease for this gene is not clearly established (PMID: 29106825). (I) 0107 - This gene is associated with autosomal dominant disease. (I) 0200 - Variant is predicted to result in a missense amino acid change from valine to methionine. (I) 0251 - This variant is heterozygous. (I) 0301 - Variant is absent from gnomAD (both v2 and v3). (SP) 0501 - Missense variant consistently predicted to be damaging by multiple in silico tools or highly conserved with a major amino acid change. (SP) 0603 - Missense variant in a region that is highly intolerant to missense variation (high constraint region in DECIPHER). (SP) 0705 - No comparable missense variants have previous evidence for pathogenicity. (I) 0801 - This variant has strong previous evidence of pathogenicity in unrelated individuals. This variant has been observed as a de novo event in multiple individuals with RAB11B-related neurodevelopmental disorder (DECIPHER, PMID: 29106825). (SP) 0905 - No published segregation evidence has been identified for this variant. (I) 1002 - This variant has moderate functional evidence supporting abnormal protein function. Functional analysis of transfected TERT cells showed a significant change in intracellular localization and binding affinity to interacting proteins (PMID: 29106825). (SP) Legend: (SP) - Supporting pathogenic, (I) - Information, (SB) - Supporting benign

SIB Swiss Institute of Bioinformatics
Classification: Likely pathogenic for Neurodevelopmental disorder with ataxic gait, absent speech, and decreased cortical white matter. Last evaluated: 2018-10-15. Review status: criteria provided, single submitter. Criteria: ACMG Guidelines, 2015. Collection method: curation. Allele origin: unknown.
Comment: This variant is interpreted as Likely Pathogenic, for Neurodevelopmental disorder with ataxic gait, absent speech, and decreased cortical white matter. The following ACMG Tag(s) were applied: PM6 => Assumed de novo, but without confirmation of paternity and maternity (PubMed 29106825). PP3 => Multiple lines of computational evidence support a deleterious effect on the gene or gene product. PP2 => Missense variant in a gene that has a low rate of benign missense variation and in which missense variants are a common mechanism of disease (PubMed 29106825). PM2 => Absent from controls (or at extremely low frequency if recessive) in Exome Sequencing Project, 1000 Genomes Project, or Exome Aggregation Consortium. PS4-Moderate => PS4 downgraded in strength to Moderate (PubMed 29106825).

Center for Molecular Medicine, Children’s Hospital of Fudan University
Classification: Pathogenic for Neurodevelopmental disorder with ataxic gait, absent speech, and decreased cortical white matter. Last evaluated: 2022-02-08. Review status: no assertion criteria provided. Collection method: clinical testing. Allele origin: de novo. Affected: yes. Not counted in ClinVar's aggregate classification.

OMIM
Classification: Pathogenic for NEURODEVELOPMENTAL DISORDER WITH ATAXIC GAIT, ABSENT SPEECH, AND DECREASED CORTICAL WHITE MATTER. Last evaluated: 2017-12-15. Review status: no assertion criteria provided. Collection method: literature only. Allele origin: germline. Not counted in ClinVar's aggregate classification.

Literature cited by the submitters: PubMed 29106825 (cited by 5 submitters).